The following is an entry in ClinVar:

ClinVar aggregate classification (germline): Conflicting classifications of pathogenicity. Review status: criteria provided, conflicting classifications (1 of 4 stars). 3 submissions from 3 submitters: Uncertain significance (2); Likely benign (1). Last evaluated 2025-06-16.

Conditions:
Hereditary cancer-predisposing syndrome. Also called: Tumor predisposition; Hereditary Cancer Syndrome; Neoplastic Syndromes, Hereditary; Hereditary neoplastic syndrome. Identifiers: Orphanet 140162, MedGen C0027672, MeSH D009386, MONDO:0015356.
Breast-ovarian cancer, familial, susceptibility to, 4. Identifiers: Orphanet 145, MedGen C3280345, MONDO:0013669, OMIM 614291.

Allele frequency attached by ClinVar (database versions not stated): gnomAD exomes below 0.00001.
gnomAD v4.1: 1 of 1,612,740 alleles (0.000062%); highest among the groups gnomAD compares: Non-Finnish European, 0.000085%; no homozygotes.

Submissions (3):

Ambry Genetics
Classification: Uncertain significance for Hereditary cancer-predisposing syndrome. Last evaluated: 2025-06-16. Review status: criteria provided, single submitter. Criteria: Ambry Variant Classification Scheme 2023. Collection method: clinical testing. Allele origin: germline.
Comment: The c.263+3T>G intronic variant results from a T to G substitution 3 nucleotides after coding exon 3 in the RAD51D gene. This nucleotide position is well conserved in available vertebrate species. In silico splice site analysis predicts that this alteration will not have any significant effect on splicing. RNA studies have demonstrated that this alteration results in an incomplete splice defect involving exons excluded from naturally occurring transcripts; the clinical impact of this abnormal splicing is unknown at this time (Ambry internal data). Since supporting evidence is limited at this time, the clinical significance of this alteration remains unclear.

Labcorp Genetics (formerly Invitae), Labcorp
Classification: Likely benign for Breast-ovarian cancer, familial, susceptibility to, 4. Last evaluated: 2023-06-12. Review status: criteria provided, single submitter. Criteria: Invitae Variant Classification Sherloc (09022015). Collection method: clinical testing. Allele origin: germline.

Color Diagnostics, LLC DBA Color Health
Classification: Uncertain significance for Hereditary cancer-predisposing syndrome. Last evaluated: 2023-03-16. Review status: criteria provided, single submitter. Criteria: ACMG Guidelines, 2015. Collection method: clinical testing. Allele origin: germline.
Comment: This variant causes a T to G nucleotide substitution at the +3 position of intron 3 of the RAD51D gene. To our knowledge, functional studies have not been reported for this variant. This variant has not been reported in individuals affected with RAD51D-related disorders in the literature. This variant has not been identified in the general population by the Genome Aggregation Database (gnomAD). The available evidence is insufficient to determine the role of this variant in disease conclusively. Therefore, this variant is classified as a Variant of Uncertain Significance.

NM_002878.4(RAD51D):c.263+3T>G

Genes: RAD51D (RAD51 paralog D; minus strand), RAD51L3-RFFL (RAD51L3-RFFL readthrough; minus strand). Cytogenetic location: 17q12.
Variant type: single nucleotide variant.
Coding change: c.263+3T>G on transcript NM_002878.4 (MANE Select); 3 bases into the intron after coding-DNA position 263, T replaced by G.
Molecular consequence: intron variant.
Genome position (GRCh38, 1-based): chr17:35,118,498, A>C on the plus strand (T>G on the coding strand, the complement: RAD51D is on the minus strand). VCF-style: chr17-35118498-A-C. GRCh37 (hg19) VCF-style: chr17-33445517-A-C.
Other names: c.144+613T>G (NM_133629.3, NM_001142571.2).
Identifiers: ClinVar variation 1794043 (VCV001794043.7), dbSNP rs1286607815, ClinGen allele CA625550544.
Genomic context (GRCh38, chr17:35,118,498, plus strand): 5'-CAGAGCTGAGAGGAGGCCCCATCCTCCTGCCTCTCTCCTTCTTCCCCAAGTACACACACA[A>C]ACCTGCCAATGCCAGTGGACAGGATGGCAGTGGAGGTCTTCAGTTCCTCGTAGAGATCAG-3'